The following is an entry in ClinVar:

ClinVar aggregate classification (germline): Uncertain significance. Review status: criteria provided, multiple submitters, no conflicts (2 of 4 stars). 2 submissions from 2 submitters: Uncertain significance (2). Last evaluated 2025-10-11.

Conditions:
Hereditary cancer-predisposing syndrome. Also called: Neoplastic Syndromes, Hereditary; Tumor predisposition; Hereditary Cancer Syndrome; Hereditary neoplastic syndrome. Identifiers: Orphanet 140162, MedGen C0027672, MeSH D009386, MONDO:0015356.
POLD1-related polyposis and colorectal cancer syndrome (CRCS10). Also called: Colorectal cancer 10; COLORECTAL CANCER, SUSCEPTIBILITY TO, ON CHROMOSOME 19q; Colorectal cancer, susceptibility to, 10. Identifiers: Orphanet 220460, MedGen C2675481, MONDO:0012953, OMIM 612591.

Submissions (2):

Labcorp Genetics (formerly Invitae), Labcorp
Classification: Uncertain significance for POLD1-related polyposis and colorectal cancer syndrome. Last evaluated: 2025-10-11. Review status: criteria provided, single submitter. Criteria: Invitae Variant Classification Sherloc (09022015). Collection method: clinical testing. Allele origin: germline.
Comment: This sequence change replaces valine, which is neutral and non-polar, with leucine, which is neutral and non-polar, at codon 752 of the POLD1 protein (p.Val752Leu). This variant is not present in population databases (gnomAD no frequency). This variant has not been reported in the literature in individuals affected with POLD1-related conditions. ClinVar contains an entry for this variant (Variation ID: 1489959). Invitae Evidence Modeling of protein sequence and biophysical properties (such as structural, functional, and spatial information, amino acid conservation, physicochemical variation, residue mobility, and thermodynamic stability) indicates that this missense variant is not expected to disrupt POLD1 protein function with a negative predictive value of 80%. In summary, the available evidence is currently insufficient to determine the role of this variant in disease. Therefore, it has been classified as a Variant of Uncertain Significance.

Ambry Genetics
Classification: Uncertain significance for Hereditary cancer-predisposing syndrome. Last evaluated: 2022-03-16. Review status: criteria provided, single submitter. Criteria: Ambry Variant Classification Scheme 2023. Collection method: clinical testing. Allele origin: germline.
Comment: The p.V752L variant (also known as c.2254G>T), located in coding exon 18 of the POLD1 gene, results from a G to T substitution at nucleotide position 2254. The valine at codon 752 is replaced by leucine, an amino acid with highly similar properties. This amino acid position is conserved. In addition, this alteration is predicted to be tolerated by in silico analysis. Since supporting evidence is limited at this time, the clinical significance of this alteration remains unclear.

NM_002691.4(POLD1):c.2254G>T (p.Val752Leu)

Gene: POLD1 (DNA polymerase delta 1, catalytic subunit; plus strand). Cytogenetic location: 19q13.33.
Variant type: single nucleotide variant.
Coding change: c.2254G>T on transcript NM_002691.4 (MANE Select); coding-DNA position 2254, G replaced by T.
Protein change: p.Val752Leu; replaces valine 752 with leucine.
Molecular consequence: missense variant. On other transcripts: non-coding transcript variant (1).
Genome position (GRCh38, 1-based): chr19:50,413,745, G>T. VCF-style: chr19-50413745-G-T. GRCh37 (hg19) VCF-style: chr19-50917002-G-T.
Other names: c.2254G>T, p.Val752Leu (NM_001256849.1); c.2332G>T, p.Val778Leu (NM_001308632.1); short protein forms V778L, V752L.
Identifiers: ClinVar variation 1489959 (VCV001489959.10), dbSNP rs1207462965, ClinGen allele CA406983936.
Genomic context (GRCh38, chr19:50,413,745, plus strand): 5'-CAGTAGTTGACAGAAGGGACCCTGCTTCTCACATACACACATCCCCACCGCCCGCAGGTG[G>T]TGTATGGTGACACTGACTCCGTCATGTGCCGATTCGGCGTGTCCTCGGTGGCTGAGGCGA-3'
Protein context (NP_002682.2, residues 742-762): ENGYSTSAKV[Val752Leu]YGDTDSVMCR